The following is an entry in ClinVar:

NM_022725.4(FANCF):c.95G>A (p.Arg32His)

Gene: FANCF (FA complementation group F; minus strand). Cytogenetic location: 11p14.3.
Variant type: single nucleotide variant.
Coding change: c.95G>A on transcript NM_022725.4 (MANE Select); coding-DNA position 95, G replaced by A.
Protein change: p.Arg32His; replaces arginine 32 with histidine.
Molecular consequence: missense variant.
Genome position (GRCh38, 1-based): chr11:22,625,716, C>T on the plus strand (G>A on the coding strand, the complement: FANCF is on the minus strand). VCF-style: chr11-22625716-C-T. GRCh37 (hg19) VCF-style: chr11-22647262-C-T.
Other names: short protein forms R32H.
Identifiers: ClinVar variation 2364283 (VCV002364283.6), dbSNP rs996275860, ClinGen allele CA219086665.

ClinVar aggregate classification (germline): Uncertain significance. Review status: criteria provided, multiple submitters, no conflicts (2 of 4 stars). 4 submissions from 4 submitters: Uncertain significance (4). Last evaluated 2025-03-25.

Conditions:
Inborn genetic diseases. Identifiers: MedGen C0950123, MeSH D030342.
Hereditary cancer-predisposing syndrome. Also called: Hereditary Cancer Syndrome; Hereditary neoplastic syndrome; Neoplastic Syndromes, Hereditary; Tumor predisposition. Identifiers: Orphanet 140162, MedGen C0027672, MeSH D009386, MONDO:0015356.
Fanconi anemia complementation group F. Also called: FANCF-Related Fanconi Anemia. Identifiers: Orphanet 84, MedGen C3469526, MONDO:0011325, OMIM 603467.
Fanconi anemia (FA). Also called: Fanconi's anemia. Identifiers: Orphanet 84, MedGen C0015625, MeSH D005199, MONDO:0019391.

Allele frequency attached by ClinVar (database versions not stated): gnomAD 0.00001; TOPMed 0.00001.
gnomAD v4.1: 12 of 1,614,014 alleles (0.00074%); highest among the groups gnomAD compares: Admixed American, 0.0017%; no homozygotes.

Submissions (4):

Molecular Diagnostics Laboratory, Catalan Institute of Oncology
Classification: Uncertain significance for Hereditary cancer-predisposing syndrome. Last evaluated: 2025-03-25. Review status: criteria provided, single submitter. Criteria: ACMG Guidelines, 2015. Collection method: clinical testing. Allele origin: germline.
Comment: PM2_Supporting, BP4 c.95G>A located in exon 1 of the FANCF gene, is predicted to result in the substitution of arginine by histidine at codon 32, p.(Arg32His). The variant allele was found in 2/267376 alleles in the gnomAD v2.1.1 database (non-cancer data set)(PM2_Supporting). The SpliceAI algorithm predicts no significant impact on splicing and the REVEL meta-predictor score for this variant (0.195) suggests that it does not affect the protein function according to Pejaver 2022 thresholds (PMID: 36413997)(BP4). To our knowledge, neither relevant clinical data nor functional studies have been reported for this variant. This variant has been identified in the ClinVar database (3x uncertain significance) but has not been identified in the LOVD database. Based on currently available information, the variant c.95G>A is classified as an uncertain significance variant according ACMG guidelines.

Fulgent Genetics
Classification: Uncertain significance for Fanconi anemia complementation group F. Last evaluated: 2024-04-19. Review status: criteria provided, single submitter. Criteria: ACMG Guidelines, 2015. Collection method: clinical testing. Allele origin: germline.

Labcorp Genetics (formerly Invitae), Labcorp
Classification: Uncertain significance for Fanconi anemia. Last evaluated: 2023-12-23. Review status: criteria provided, single submitter. Criteria: Invitae Variant Classification Sherloc (09022015). Collection method: clinical testing. Allele origin: germline.
Comment: This sequence change replaces arginine, which is basic and polar, with histidine, which is basic and polar, at codon 32 of the FANCF protein (p.Arg32His). This variant is present in population databases (no rsID available, gnomAD 0.003%). This variant has not been reported in the literature in individuals affected with FANCF-related conditions. ClinVar contains an entry for this variant (Variation ID: 2364283). Advanced modeling of protein sequence and biophysical properties (such as structural, functional, and spatial information, amino acid conservation, physicochemical variation, residue mobility, and thermodynamic stability) performed at Invitae indicates that this missense variant is expected to disrupt FANCF protein function with a positive predictive value of 80%. In summary, the available evidence is currently insufficient to determine the role of this variant in disease. Therefore, it has been classified as a Variant of Uncertain Significance.

Ambry Genetics
Classification: Uncertain significance for Inborn genetic diseases. Last evaluated: 2021-11-15. Review status: criteria provided, single submitter. Criteria: Ambry Variant Classification Scheme 2023. Collection method: clinical testing. Allele origin: germline.